The following is an entry in ClinVar:

ClinVar aggregate classification (germline): Uncertain significance (1 of 4 stars; one submission).

Submission:

GeneDx
Classification: Uncertain significance. Last evaluated: 2025-08-14. Review status: criteria provided, single submitter. Criteria: GeneDx Variant Classification Process June 2021. Collection method: clinical testing. Allele origin: germline. Affected: yes.
Comment: Not observed at significant frequency in large population cohorts (gnomAD); In silico analysis supports that this missense variant has a deleterious effect on protein structure/function; Has not been previously published as pathogenic or benign to our knowledge

NM_001127222.2(CACNA1A):c.5084G>A (p.Cys1695Tyr)

Gene: CACNA1A (calcium voltage-gated channel subunit alpha1 A; minus strand). Cytogenetic location: 19p13.13.
Variant type: single nucleotide variant.
Coding change: c.5084G>A on transcript NM_001127222.2 (MANE Select); coding-DNA position 5084, G replaced by A.
Protein change: p.Cys1695Tyr; replaces cysteine 1695 with tyrosine.
Molecular consequence: missense variant.
Genome position (GRCh38, 1-based): chr19:13,235,258, C>T on the plus strand (G>A on the coding strand, the complement: CACNA1A is on the minus strand). VCF-style: chr19-13235258-C-T. GRCh37 (hg19) VCF-style: chr19-13346072-C-T.
Other names: c.5102G>A, p.Cys1701Tyr (NM_000068.4, NM_023035.3); c.5087G>A, p.Cys1696Tyr (NM_001127221.2); c.5093G>A, p.Cys1698Tyr (NM_001174080.2); short protein forms C1695Y, C1698Y, C1696Y, C1701Y.
Identifiers: ClinVar variation 4795334 (VCV004795334.1).
Genomic context (GRCh38, chr19:13,235,258, plus strand): 5'-ACGACACTCACCTGCATCCCAATGATGGCATAGATGAAGAAGAGCATGGCGATCAGCAGA[C>T]AGACATAAGGCAGGGCCTGGTGGGAAAAAAGGCAATGAAGAAGAGTGCTGGGGGTCCCTC-3'
Protein context (NP_001120694.1, residues 1685-1705): VQSFKALPYV[Cys1695Tyr]LLIAMLFFIY